The following is an entry in ClinVar:

ClinVar aggregate classification (germline): Uncertain significance (1 of 4 stars; one submission).

Conditions:
Nemaline myopathy 2 (NEM2). Also called: Nemaline myopathy 2, autosomal recessive. Identifiers: MedGen C1850569, MONDO:0009725, OMIM 256030.

Allele frequency attached by ClinVar (database versions not stated): ExAC 0.00001; gnomAD exomes 0.00003.
gnomAD v4.1: 42 of 1,613,998 alleles (0.0026%); highest among the groups gnomAD compares: Non-Finnish European, 0.0033%; no homozygotes.

Submission:

Labcorp Genetics (formerly Invitae), Labcorp
Classification: Uncertain significance for Nemaline myopathy 2. Last evaluated: 2021-08-27. Review status: criteria provided, single submitter. Criteria: Invitae Variant Classification Sherloc (09022015). Collection method: clinical testing. Allele origin: germline.
Comment: This sequence change replaces asparagine with lysine at codon 3112 of the NEB protein (p.Asn3112Lys). The asparagine residue is weakly conserved and there is a moderate physicochemical difference between asparagine and lysine. The frequency data for this variant in the population databases is considered unreliable, as metrics indicate poor data quality at this position in the ExAC database. This variant has not been reported in the literature in individuals affected with NEB-related conditions. Algorithms developed to predict the effect of missense changes on protein structure and function are either unavailable or do not agree on the potential impact of this missense change (SIFT: "Tolerated"; PolyPhen-2: "Not Available"; Align-GVGD: "Class C0"). Algorithms developed to predict the effect of sequence changes on RNA splicing suggest that this variant may create or strengthen a splice site. In summary, the available evidence is currently insufficient to determine the role of this variant in disease. Therefore, it has been classified as a Variant of Uncertain Significance.

NM_001164508.2(NEB):c.9336C>G (p.Asn3112Lys)

Gene: NEB (nebulin; minus strand). Cytogenetic location: 2q23.3.
Variant type: single nucleotide variant.
Coding change: c.9336C>G on transcript NM_001164508.2 (MANE Select); coding-DNA position 9336, C replaced by G.
Protein change: p.Asn3112Lys; replaces asparagine 3112 with lysine.
Molecular consequence: missense variant. On other transcripts: intron variant (1).
Genome position (GRCh38, 1-based): chr2:151,633,732, G>C on the plus strand (C>G on the coding strand, the complement: NEB is on the minus strand). VCF-style: chr2-151633732-G-C. GRCh37 (hg19) VCF-style: chr2-152490246-G-C.
Other names: c.9336C>G, p.Asn3112Lys (NM_001164507.2, NM_001271208.2); c.8854-2554C>G (NM_004543.5); short protein forms N3112K.
Identifiers: ClinVar variation 2144015 (VCV002144015.1), dbSNP rs774943443, ClinGen allele CA1909361.
Genomic context (GRCh38, chr2:151,633,732, plus strand): 5'-GGCCTGCCGAGCATGGATGACATCGCTCTGGTCAGGCAGGCATGTCCACTCGTGCAGGTA[G>C]TTCTTATAGTCCACGTCACTGACTAAGGTCTGGCACTTCTTGGCCAGCACCACCCCCAGC-3'
Protein context (NP_001157980.2, residues 3102-3122): QTLVSDVDYK[Asn3112Lys]YLHEWTCLPD